The following is an entry in ClinVar:

NM_020937.4(FANCM):c.1097G>A (p.Ser366Asn)

Gene: FANCM (FA complementation group M; plus strand). Cytogenetic location: 14q21.2.
Variant type: single nucleotide variant.
Coding change: c.1097G>A on transcript NM_020937.4 (MANE Select); coding-DNA position 1097, G replaced by A.
Protein change: p.Ser366Asn; replaces serine 366 with asparagine.
Molecular consequence: missense variant.
Genome position (GRCh38, 1-based): chr14:45,153,966, G>A. VCF-style: chr14-45153966-G-A. GRCh37 (hg19) VCF-style: chr14-45623169-G-A.
Other names: c.1019G>A, p.Ser340Asn (NM_001308133.2); c.1097G>A, p.Ser366Asn (NM_001308134.2); c.1097G>A (NM_020937.3); short protein forms S366N, S340N.
Identifiers: ClinVar variation 2073744 (VCV002073744.8), dbSNP rs941090578, ClinGen allele CA259615899.

ClinVar aggregate classification (germline): Uncertain significance. Review status: criteria provided, multiple submitters, no conflicts (2 of 4 stars). 5 submissions from 5 submitters: Uncertain significance (5). Last evaluated 2024-12-20.

Conditions:
Fanconi anemia (FA). Also called: Fanconi's anemia. Identifiers: Orphanet 84, MedGen C0015625, MeSH D005199, MONDO:0019391.
Inborn genetic diseases. Identifiers: MedGen C0950123, MeSH D030342.
FANCM-related disorder. Also called: FANCM-related condition.

Allele frequency attached by ClinVar (database versions not stated): gnomAD exomes below 0.00001; gnomAD 0.00001.

Submissions (5):

Ambry Genetics
Classification: Uncertain significance for Inborn genetic diseases. Last evaluated: 2024-12-20. Review status: criteria provided, single submitter. Criteria: Ambry Variant Classification Scheme 2023. Collection method: clinical testing. Allele origin: germline.
Comment: The p.S366N variant (also known as c.1097G>A), located in coding exon 6 of the FANCM gene, results from a G to A substitution at nucleotide position 1097. The serine at codon 366 is replaced by asparagine, an amino acid with highly similar properties. This amino acid position is conserved. In addition, this alteration is predicted to be tolerated by in silico analysis. Based on the available evidence, the clinical significance of this variant remains unclear.

GeneDx
Classification: Uncertain significance. Last evaluated: 2024-10-29. Review status: criteria provided, single submitter. Criteria: GeneDx Variant Classification Process June 2021. Collection method: clinical testing. Allele origin: germline. Affected: yes.
Comment: Not observed at significant frequency in large population cohorts (gnomAD); In silico analysis supports that this missense variant has a deleterious effect on protein structure/function; Has not been previously published as pathogenic or benign to our knowledge; In silico analysis suggests this variant may impact gene splicing. In the absence of RNA/functional studies, the actual effect of this sequence change is unknown.

Blueprint Genetics
Classification: Uncertain significance. Last evaluated: 2024-04-10. Review status: criteria provided, single submitter. Criteria: ACMG Guidelines, 2015. Collection method: clinical testing. Allele origin: germline.

PreventionGenetics, part of Exact Sciences
Classification: Uncertain significance for FANCM-related condition. Last evaluated: 2023-04-19. Review status: criteria provided, single submitter. Criteria: ACMG Guidelines, 2015. Collection method: clinical testing. Allele origin: germline.
Comment: The FANCM c.1097G>A variant is predicted to result in the amino acid substitution p.Ser366Asn. To our knowledge, this variant has not been reported in the literature. This variant is reported in 0.0026% of alleles in individuals of European (Non-Finnish) descent in gnomAD. At this time, the clinical significance of this variant is uncertain due to the absence of conclusive functional and genetic evidence.

Labcorp Genetics (formerly Invitae), Labcorp
Classification: Uncertain significance for Fanconi anemia. Last evaluated: 2022-08-21. Review status: criteria provided, single submitter. Criteria: Invitae Variant Classification Sherloc (09022015). Collection method: clinical testing. Allele origin: germline.
Comment: In summary, the available evidence is currently insufficient to determine the role of this variant in disease. Therefore, it has been classified as a Variant of Uncertain Significance. Algorithms developed to predict the effect of sequence changes on RNA splicing suggest that this variant may create or strengthen a splice site. Algorithms developed to predict the effect of missense changes on protein structure and function are either unavailable or do not agree on the potential impact of this missense change (SIFT: "Deleterious"; PolyPhen-2: "Possibly Damaging"; Align-GVGD: "Class C0"). This variant has not been reported in the literature in individuals affected with FANCM-related conditions. This variant is present in population databases (no rsID available, gnomAD 0.002%). This sequence change replaces serine, which is neutral and polar, with asparagine, which is neutral and polar, at codon 366 of the FANCM protein (p.Ser366Asn).